The following is an entry in ClinVar:

ClinVar aggregate classification (germline): Conflicting classifications of pathogenicity. Review status: criteria provided, conflicting classifications (1 of 4 stars). 3 submissions from 3 submitters: Uncertain significance (1); Likely benign (1). 1 of the submissions does not count toward it. Last evaluated 2022-10-18.

Conditions:
Cystic fibrosis (CF). Also called: MUCOVISCIDOSIS. Identifiers: Orphanet 586, MedGen C0010674, MONDO:0009061, OMIM 219700. Disease mechanism: loss of function.
Hereditary pancreatitis (PCTT). Also called: Hereditary chronic pancreatitis; PRSS1-Related Hereditary Pancreatitis. Identifiers: Orphanet 676, MedGen C0238339, MONDO:0008185, OMIM 167800.

Allele frequency attached by ClinVar (database versions not stated): gnomAD exomes 0.00008; TOPMed 0.00006.
gnomAD v4.1: 64 of 754,030 alleles (0.0085%); highest among the groups gnomAD compares: Non-Finnish European, 0.012%; no homozygotes.

Submissions (3):

Labcorp Genetics (formerly Invitae), Labcorp
Classification: Likely benign for Cystic fibrosis. Last evaluated: 2022-10-18. Review status: criteria provided, single submitter. Criteria: Invitae Variant Classification Sherloc (09022015). Collection method: clinical testing. Allele origin: germline.

Sema4
Classification: Uncertain significance for Hereditary pancreatitis. Last evaluated: 2022-03-08. Review status: criteria provided, single submitter. Criteria: Sema4 Curation Guidelines. Collection method: curation. Allele origin: germline.
Comment: To the best of our knowledge, the CFTR c.1209+80G>A variant has not been reported in individuals with CFTR-related disease. It was observed in 2/15428 chromosomes of the non-Finnish European subpopulation in the large and broad cohorts of the Genome Aggregation Database (PMID: 32461654). This variant has been reported in ClinVar (Variation ID 550803). Functional studies have not been performed, and in silico predictions of the variant's effect on protein function are inconclusive. The evidence is insufficient to meet ACMG/AMP criteria for classifying the variant as benign or pathogenic. Thus, the clinical significance of this variant is currently uncertain.

Counsyl
Classification: Uncertain significance for Cystic fibrosis. Last evaluated: 2017-02-21. Review status: no assertion criteria provided. Collection method: clinical testing. Allele origin: unknown. Not counted in ClinVar's aggregate classification.

Literature cited by the submitters: PubMed 15858154 (cited by Counsyl).

NM_000492.4(CFTR):c.1209+80G>A

Gene: CFTR (CF transmembrane conductance regulator; plus strand). Cytogenetic location: 7q31.2.
Variant type: single nucleotide variant.
Coding change: c.1209+80G>A on transcript NM_000492.4 (MANE Select); 80 bases into the intron after coding-DNA position 1209, G replaced by A.
Molecular consequence: intron variant.
Genome position (GRCh38, 1-based): chr7:117,542,188, G>A. VCF-style: chr7-117542188-G-A. GRCh37 (hg19) VCF-style: chr7-117182242-G-A.
Identifiers: ClinVar variation 550803 (VCV000550803.13), dbSNP rs948980243, ClinGen allele CA164955924.